The following is an entry in ClinVar:

ClinVar aggregate classification (germline): Uncertain significance (1 of 4 stars; one submission).

Submission:

GeneDx
Classification: Uncertain significance. Last evaluated: 2022-12-29. Review status: criteria provided, single submitter. Criteria: GeneDx Variant Classification Process June 2021. Collection method: clinical testing. Allele origin: germline. Affected: yes.
Comment: Not observed at significant frequency in large population cohorts (gnomAD); In silico analysis supports that this missense variant has a deleterious effect on protein structure/function; Has not been previously published as pathogenic or benign to our knowledge

NM_001012614.2(CTBP1):c.178G>A (p.Val60Met)

Gene: CTBP1 (C-terminal binding protein 1; minus strand). Cytogenetic location: 4p16.3.
Variant type: single nucleotide variant.
Coding change: c.178G>A on transcript NM_001012614.2 (MANE Select); coding-DNA position 178, G replaced by A.
Protein change: p.Val60Met; replaces valine 60 with methionine.
Molecular consequence: missense variant.
Genome position (GRCh38, 1-based): chr4:1,228,328, C>T on the plus strand (G>A on the coding strand, the complement: CTBP1 is on the minus strand). VCF-style: chr4-1228328-C-T. GRCh37 (hg19) VCF-style: chr4-1222116-C-T.
Other names: c.211G>A, p.Val71Met (NM_001328.3, NM_001377186.1); c.178G>A, p.Val60Met (NM_001377187.1, NM_001377188.1, NM_001377189.1 and 4 more transcripts); short protein forms V60M, V71M.
Identifiers: ClinVar variation 2507296 (VCV002507296.1), dbSNP rs2535133039, ClinGen allele CA355957127.